The following is an entry in ClinVar:

ClinVar aggregate classification (germline): Likely pathogenic. Review status: criteria provided, multiple submitters, no conflicts (2 of 4 stars). 2 submissions from 2 submitters: Likely pathogenic (2). Last evaluated 2023-12-07.

Conditions:
Muscular dystrophy-dystroglycanopathy (congenital with impaired intellectual development), type B, 1. Also called: Muscular dystrophy-dystroglycanopathy (congenital with intellectual disability), type B1; MUSCULAR DYSTROPHY, CONGENITAL, POMT1-RELATED. Identifiers: MedGen C5436962, MONDO:0013159, OMIM 613155.
Muscular dystrophy-dystroglycanopathy (congenital with brain and eye anomalies), type A1 (MDDGA1). Also called: COD-MD SYNDROME; Muscular dystrophy-dystroglycanopathy (congenital with brain and eye anomalies), type A, 1; WALKER-WARBURG SYNDROME OR MUSCLE-EYE-BRAIN DISEASE, POMT1-RELATED; Hydrocephalus, agyria and retinal dysplasia; Hard +/- E syndrome; Warburg syndrome. Identifiers: Orphanet 588, Orphanet 899, MedGen C4284790, MONDO:0009364, OMIM 236670.
Autosomal recessive limb-girdle muscular dystrophy type 2K. Also called: MUSCULAR DYSTROPHY-DYSTROGLYCANOPATHY (LIMB-GIRDLE), TYPE C, 1; MUSCULAR DYSTROPHY, LIMB-GIRDLE, TYPE 2K. Identifiers: Orphanet 86812, MedGen C1836373, MONDO:0012248, OMIM 609308.

Submissions (2):

Baylor Genetics
Classification: Likely pathogenic for Muscular dystrophy-dystroglycanopathy (congenital with brain and eye anomalies), type A1. Last evaluated: 2023-12-07. Review status: criteria provided, single submitter. Criteria: ACMG Guidelines, 2015. Collection method: clinical testing. Allele origin: unknown.

Juno Genomics, Hangzhou Juno Genomics, Inc
Classification: Likely pathogenic for Muscular dystrophy-dystroglycanopathy (congenital with brain and eye anomalies), type A1; Muscular dystrophy-dystroglycanopathy (congenital with impaired intellectual development), type B, 1; Autosomal recessive limb-girdle muscular dystrophy type 2K. Review status: criteria provided, single submitter. Criteria: ACMG Guidelines, 2015. Collection method: clinical testing. Allele origin: germline.
Comment: Absent from controls (or at extremely low frequency if recessive) in Genome Aggregation Database.;Null variant in a gene where loss of function (LOF) is a known mechanism of disease.

NM_001077365.2(POMT1):c.577_596del (p.Thr193fs)

Gene: POMT1 (protein O-mannosyltransferase 1; plus strand). Cytogenetic location: 9q34.13.
Variant type: Deletion.
Coding change: c.577_596del on transcript NM_001077365.2 (MANE Select); coding-DNA positions 577 to 596, 20 bases deleted (ACAGGGGTCGCTTGTTCCTG).
Protein change: p.Thr193fs; shifts the reading frame from threonine 193.
Molecular consequence: frameshift variant. On other transcripts: 5 prime UTR variant (1), non-coding transcript variant (10).
Genome position (GRCh38, 1-based): chr9:131,509,780-131,509,799, ACAGGGGTCGCTTGTTCCTG deleted; deleting any 20 consecutive bases within chr9:131,509,777-131,509,799 gives the same sequence; the c. name uses the placement nearest the transcript's 3' end. VCF-style (leftmost placement, unchanged base first): chr9-131509776-ACTGACAGGGGTCGCTTGTTC-A. GRCh37 (hg19) VCF-style: chr9-134385163-ACTGACAGGGGTCGCTTGTTC-A.
Other names: c.415_434del, p.Thr139fs (NM_001077366.2, NM_001353194.2, NM_001353197.2 and 3 more transcripts); c.577_596del, p.Thr193fs (NM_001136113.2, NM_001353193.2, NM_001374690.1 and 1 more transcripts); c.226_245del, p.Thr76fs (NM_001136114.2, NM_001353195.2, NM_001353199.2 and 2 more transcripts); c.487_506del, p.Thr163fs (NM_001353196.2); c.121_140del, p.Thr41fs (NM_001353200.2, NM_001374695.1); c.-560_-541del (NM_001411024.1); short protein forms T139fs, T163fs, T193fs, T41fs, T76fs.
Identifiers: ClinVar variation 3240188 (VCV003240188.3), dbSNP rs2539132141.
Genomic context (GRCh38, chr9:131,509,776, plus strand): 5'-TCTCCATCTGCTTTGTTTTTATTCCAGCCCTTTTTCTCTGAGCTGGTGGTTCTGGCTAAC[ACTGACAGGGGTCGCTTGTTC>A]CTGTGCAGTGGGGTGAGTTTGAGCCTCTGGTCTTGGGCAGTGTCCTCCTCCATCTCCTTA-3'